The following is an entry in ClinVar:

ClinVar aggregate classification (germline): Uncertain significance. Review status: criteria provided, multiple submitters, no conflicts (2 of 4 stars). 4 submissions from 4 submitters: Uncertain significance (4). Last evaluated 2024-09-24.

Conditions:
FGFR2-related craniosynostosis. Identifiers: MedGen CN231480.
Crouzon syndrome. Also called: CRANIOFACIAL DYSOSTOSIS, TYPE I; Craniofacial dysostosis type 1; Crouzon craniofacial dysostosis; Crouzon disease; Craniofacial dysostosis. Identifiers: Orphanet 207, MedGen C0010273, MeSH D003394, MONDO:0007405, OMIM 123500, HP:0004439.
Beare-Stevenson cutis gyrata syndrome (BSTVS). Identifiers: Orphanet 1555, MedGen C1852406, MONDO:0007412, OMIM 123790.
Acrocephalosyndactyly type I (ACS1). Also called: Apert syndrome; Acrocephalo-syndactyly type 1; ACS 1; Syndactylic oxycephaly. Identifiers: Orphanet 87, MedGen C0001193, MONDO:0007041, OMIM 101200.
Pfeiffer syndrome (ACS5). Also called: ACS V. Identifiers: Orphanet 710, MedGen C0220658, MONDO:0007043, OMIM 101600.
Bent bone dysplasia syndrome 1 (BBDS1). Also called: FGFR2-related bent bone dysplasia. Identifiers: Orphanet 313855, MedGen C3281247, MONDO:0013815, OMIM 614592.
Familial scaphocephaly syndrome, McGillivray type. Also called: SCAPHOCEPHALY, MAXILLARY RETRUSION, AND IMPAIRED INTELLECTUAL DEVELOPMENT. Identifiers: Orphanet 168624, MedGen C1865070, MONDO:0012307, OMIM 609579.
Gastric cancer. Also called: Stomach cancer; Malignant tumor of stomach. Identifiers: MedGen C0024623, MeSH D013274, MONDO:0001056, OMIM 613659, HP:0012126.
Jackson-Weiss syndrome (JWS). Also called: CRANIOSYNOSTOSIS, MIDFACIAL HYPOPLASIA, AND FOOT ABNORMALITIES. Identifiers: Orphanet 1540, MedGen C0795998, MONDO:0007400, OMIM 123150. Disease mechanism: loss of function.
Antley-Bixler syndrome without genital anomalies or disordered steroidogenesis (ABS2). Also called: MULTISYNOSTOTIC OSTEODYSGENESIS WITH LONG BONE FRACTURES; Antley-Bixler Syndrome, Autosomal Dominant; Trapezoidocephaly synostosis syndrome; Osteodysgenesis, multisynostotic with fractures. Identifiers: Orphanet 596008, Orphanet 83, MedGen C2936791, MONDO:0020667, OMIM 207410.
Saethre-Chotzen syndrome (SCS). Also called: ACROCEPHALY, SKULL ASYMMETRY, AND MILD SYNDACTYLY; ACS III; CHOTZEN SYNDROME. Identifiers: Orphanet 794, MedGen C0175699, MONDO:0007042, OMIM 101400.
LADD syndrome 1 (LADD1). Also called: Lacrimoauriculodentodigital syndrome 1. Identifiers: MedGen C5774323, MONDO:0100302, OMIM 149730.

Allele frequency attached by ClinVar (database versions not stated): TOPMed below 0.00001; ExAC 0.00001; gnomAD exomes 0.00002.
gnomAD v4.1: 27 of 1,612,382 alleles (0.0017%); highest among the groups gnomAD compares: Non-Finnish European, 0.0022%; no homozygotes.

Submissions (4):

GeneDx
Classification: Uncertain significance. Last evaluated: 2024-09-24. Review status: criteria provided, single submitter. Criteria: GeneDx Variant Classification Process June 2021. Collection method: clinical testing. Allele origin: germline. Affected: yes.
Comment: Not observed at significant frequency in large population cohorts (gnomAD); In silico analysis indicates that this missense variant does not alter protein structure/function; Has not been previously published as pathogenic or benign to our knowledge

Labcorp Genetics (formerly Invitae), Labcorp
Classification: Uncertain significance for FGFR2-related craniosynostosis. Last evaluated: 2024-04-13. Review status: criteria provided, single submitter. Criteria: Invitae Variant Classification Sherloc (09022015). Collection method: clinical testing. Allele origin: germline.
Comment: This sequence change replaces valine, which is neutral and non-polar, with isoleucine, which is neutral and non-polar, at codon 686 of the FGFR2 protein (p.Val686Ile). This variant is present in population databases (rs760895785, gnomAD 0.003%). This variant has not been reported in the literature in individuals affected with FGFR2-related conditions. An algorithm developed to predict the effect of missense changes on protein structure and function (PolyPhen-2) suggests that this variant is likely to be tolerated. In summary, the available evidence is currently insufficient to determine the role of this variant in disease. Therefore, it has been classified as a Variant of Uncertain Significance.

Fulgent Genetics
Classification: Uncertain significance for Acrocephalosyndactyly type I; Saethre-Chotzen syndrome; Pfeiffer syndrome; Jackson-Weiss syndrome; Crouzon syndrome; Beare-Stevenson cutis gyrata syndrome; LADD syndrome 1; Antley-Bixler syndrome without genital anomalies or disordered steroidogenesis; Familial scaphocephaly syndrome, McGillivray type; Gastric cancer; Bent bone dysplasia syndrome 1. Last evaluated: 2024-03-18. Review status: criteria provided, single submitter. Criteria: ACMG Guidelines, 2015. Collection method: clinical testing. Allele origin: germline.

Clinical Genomics Laboratory, Washington University in St. Louis
Classification: Uncertain significance for Acrocephalosyndactyly type I; Pfeiffer syndrome; Crouzon syndrome; Beare-Stevenson cutis gyrata syndrome. Last evaluated: 2023-11-02. Review status: criteria provided, single submitter. Criteria: ACMG Guidelines, 2015. Collection method: clinical testing. Allele origin: germline.
Comment: The FGFR2 c.2056G>A (p.Val686Ile) variant, to our knowledge, has not been reported in the medical literature and is only observed on 1/251,246 alleles in the general population (gnomAD v.2.1.1), indicating it is not a common variant. This variant occurs in an alpha helix in the protein kinase domain and computational predictors indicate that the variant is damaging, evidence that correlates with impact to FGFR2 function. Due to limited information, and based on ACMG/AMP guidelines for variant interpretation (Richards S et al., PMID: 25741868), the clinical significance of this variant is uncertain at this time.

NM_000141.5(FGFR2):c.2056G>A (p.Val686Ile)

Gene: FGFR2 (fibroblast growth factor receptor 2; minus strand). Cytogenetic location: 10q26.13.
Variant type: single nucleotide variant.
Coding change: c.2056G>A on transcript NM_000141.5 (MANE Select); coding-DNA position 2056, G replaced by A.
Protein change: p.Val686Ile; replaces valine 686 with isoleucine.
Molecular consequence: missense variant. On other transcripts: non-coding transcript variant (1).
Genome position (GRCh38, 1-based): chr10:121,487,355, C>T on the plus strand (G>A on the coding strand, the complement: FGFR2 is on the minus strand). VCF-style: chr10-121487355-C-T. GRCh37 (hg19) VCF-style: chr10-123246869-C-T.
Other names: c.2059G>A, p.Val687Ile (NM_001144913.1, NM_022970.4); c.1720G>A, p.Val574Ile (NM_001144914.1); c.1789G>A, p.Val597Ile (NM_001144915.2, NM_023029.3); c.1711G>A, p.Val571Ile (NM_001144916.2); c.1708G>A, p.Val570Ile (NM_001144917.2); c.1705G>A, p.Val569Ile (NM_001144918.2); c.1792G>A, p.Val598Ile (NM_001144919.2); c.1372G>A, p.Val458Ile (NM_001320654.2); and 1 more; short protein forms V687I, V458I, V569I, V570I, V571I, V597I, V684I, V686I.
Identifiers: ClinVar variation 2725055 (VCV002725055.6), dbSNP rs760895785, ClinGen allele CA5720577.